The following is an entry in ClinVar:

NM_198428.3(BBS9):c.147A>G (p.Leu49=)

Gene: BBS9 (Bardet-Biedl syndrome 9; plus strand). Cytogenetic location: 7p14.3.
Variant type: single nucleotide variant.
Coding change: c.147A>G on transcript NM_198428.3 (MANE Select); coding-DNA position 147, A replaced by G.
Protein change: p.Leu49=; no amino-acid change (leucine 49 retained).
Molecular consequence: synonymous variant. On other transcripts: 5 prime UTR variant (4), non-coding transcript variant (3), intron variant (2).
Genome position (GRCh38, 1-based): chr7:33,152,735, A>G. VCF-style: chr7-33152735-A-G. GRCh37 (hg19) VCF-style: chr7-33192347-A-G.
Other names: c.147A>G, p.Leu49= (NM_001033604.2, NM_001033605.2, NM_001348036.1 and 5 more transcripts); c.-155A>G (NM_001348037.3, NM_001348045.3); c.-131A>G (NM_001348038.3, NM_001348039.3); c.12A>G, p.Leu4= (NM_001348042.3); c.-39+22694A>G (NM_001348046.3, NM_001348044.3).
Identifiers: ClinVar variation 4988910 (VCV004988910.1).
Genomic context (GRCh38, chr7:33,152,735, plus strand): 5'-TCTTTTTTTTTTTAAATTCTCTACAGATAAAATAATTGTGGGTAGCTTTATGGGATACCT[A>G]AGGATCTTTAGCCCCCATCCTGCAAAAACAGGAGATGGAGCTCAAGCCGAAGATTTGCTT-3'
Protein context (NP_940820.1, residues 39-59): KIIVGSFMGY[Leu49=]RIFSPHPAKT

ClinVar aggregate classification (germline): Likely benign (1 of 4 stars; one submission).

Conditions:
BBS9-related disorder. Also called: BBS9-related condition.

gnomAD v4.1: 3 of 1,613,532 alleles (0.00019%); highest among the groups gnomAD compares: South Asian, 0.0022%; no homozygotes.

Submission:

PreventionGenetics, part of Exact Sciences
Classification: Likely benign for BBS9-related condition. Last evaluated: 2026-04-29. Review status: criteria provided, single submitter. Criteria: ACMG Guidelines, 2015. Collection method: clinical testing. Allele origin: germline.
Comment: This variant is classified as likely benign based on ACMG/AMP sequence variant interpretation guidelines (Richards et al. 2015 PMID: 25741868, with internal and published modifications).